The following is an entry in ClinVar:

NM_144997.7(FLCN):c.203G>A (p.Ser68Asn)

Gene: FLCN (folliculin; minus strand). Cytogenetic location: 17p11.2.
Variant type: single nucleotide variant.
Coding change: c.203G>A on transcript NM_144997.7 (MANE Select); coding-DNA position 203, G replaced by A.
Protein change: p.Ser68Asn; replaces serine 68 with asparagine.
Molecular consequence: missense variant.
Genome position (GRCh38, 1-based): chr17:17,227,935, C>T on the plus strand (G>A on the coding strand, the complement: FLCN is on the minus strand). VCF-style: chr17-17227935-C-T. GRCh37 (hg19) VCF-style: chr17-17131249-C-T.
Other names: c.203G>A, p.Ser68Asn (NM_001353230.2, NM_001353231.2, NM_001353229.2 and 1 more transcripts); c.203G>A (NM_144997.5); short protein forms S68N.
Identifiers: ClinVar variation 1049988 (VCV001049988.2), dbSNP rs2145040935, ClinGen allele CA398535110.
Genomic context (GRCh38, chr17:17,227,935, plus strand): 5'-CCAAAGACACTTGCCTCGCACATGTCCGACTTTTTGGGCCCCGGGCTGCTGGACTCGACG[C>T]TGGCCCCCTCTGCGGGGCTGTGCGCACGCATCCGACTGTTCATCTGAATGCCACCTTCCT-3'
Protein context (NP_659434.2, residues 58-78): MRAHSPAEGA[Ser68Asn]VESSSPGPKK

ClinVar aggregate classification (germline): Uncertain significance. Review status: criteria provided, single submitter (1 of 4 stars). 2 submissions from 2 submitters: Uncertain significance (1). 1 of the submissions does not count toward it. Last evaluated 2024-07-29.

Conditions:
Hereditary cancer-predisposing syndrome. Also called: Tumor predisposition; Hereditary neoplastic syndrome; Hereditary Cancer Syndrome; Neoplastic Syndromes, Hereditary. Identifiers: Orphanet 140162, MedGen C0027672, MeSH D009386, MONDO:0015356.

Submissions (2):

Ambry Genetics
Classification: Uncertain significance for Hereditary cancer-predisposing syndrome. Last evaluated: 2024-07-29. Review status: criteria provided, single submitter. Criteria: Ambry Variant Classification Scheme 2023. Collection method: clinical testing. Allele origin: germline.
Comment: The p.S68N variant (also known as c.203G>A), located in coding exon 1 of the FLCN gene, results from a G to A substitution at nucleotide position 203. The serine at codon 68 is replaced by asparagine, an amino acid with highly similar properties. This amino acid position is well conserved in available vertebrate species. In addition, this alteration is predicted to be tolerated by in silico analysis. Based on the available evidence, the clinical significance of this variant remains unclear.

Department of Pathology and Laboratory Medicine, Sinai Health System
Classification: Uncertain significance. Review status: no assertion criteria provided. Collection method: clinical testing. Allele origin: unknown. Affected: yes. Study: The Canadian Open Genetics Repository (COGR). Not counted in ClinVar's aggregate classification.
Comment: The FLCN p.Ser68Asn variant was not identified in the literature nor was it identified in dbSNP, ClinVar, Cosmic or LOVD 3.0. The variant was not identified in the following control databases: the 1000 Genomes Project, the NHLBI GO Exome Sequencing Project, the Exome Aggregation Consortium (August 8th 2016), or the Genome Aggregation Database (Feb 27, 2017). The variant occurs outside of the splicing consensus sequence and in silico or computational prediction software programs (SpliceSiteFinder, MaxEntScan, NNSPLICE and GeneSplicer) do not predict a difference in splicing. The p.Ser68 residue is conserved in mammals and computational analyses (PolyPhen-2, SIFT, AlignGVGD, BLOSUM and MutationTaster) provide inconsistent predictions regarding the impact to the protein; this information is not very predictive of pathogenicity. In summary, based on the above information the clinical significance of this variant cannot be determined with certainty at this time. This variant is classified as a variant of uncertain significance.